The following is an entry in ClinVar:

NM_001303256.3(MORC2):c.2456A>C (p.Lys819Thr)

Gene: MORC2 (MORC family CW-type zinc finger 2; minus strand). Cytogenetic location: 22q12.2.
Variant type: single nucleotide variant.
Coding change: c.2456A>C on transcript NM_001303256.3 (MANE Select); coding-DNA position 2456, A replaced by C.
Protein change: p.Lys819Thr; replaces lysine 819 with threonine.
Molecular consequence: missense variant.
Genome position (GRCh38, 1-based): chr22:30,932,955, T>G on the plus strand (A>C on the coding strand, the complement: MORC2 is on the minus strand). VCF-style: chr22-30932955-T-G. GRCh37 (hg19) VCF-style: chr22-31328942-T-G.
Other names: c.2456A>C, p.Lys819Thr (NM_001303257.2); c.2270A>C, p.Lys757Thr (NM_014941.3); short protein forms K757T, K819T.
Identifiers: ClinVar variation 2701296 (VCV002701296.3), dbSNP rs2517571120, ClinGen allele CA411232325.

ClinVar aggregate classification (germline): Uncertain significance (1 of 4 stars; one submission).

Conditions:
Charcot-Marie-Tooth disease axonal type 2Z. Also called: CHARCOT-MARIE-TOOTH DISEASE, AXONAL, AUTOSOMAL DOMINANT, TYPE 2Z; CHARCOT-MARIE-TOOTH NEUROPATHY, TYPE 2Z. Identifiers: Orphanet 466768, MedGen C5569025, MONDO:0014736, OMIM 616688.

Submission:

Labcorp Genetics (formerly Invitae), Labcorp
Classification: Uncertain significance for Charcot-Marie-Tooth disease axonal type 2Z. Last evaluated: 2023-12-06. Review status: criteria provided, single submitter. Criteria: Invitae Variant Classification Sherloc (09022015). Collection method: clinical testing. Allele origin: germline.
Comment: This sequence change replaces lysine, which is basic and polar, with threonine, which is neutral and polar, at codon 819 of the MORC2 protein (p.Lys819Thr). This variant is not present in population databases (gnomAD no frequency). This variant has not been reported in the literature in individuals affected with MORC2-related conditions. Advanced modeling of protein sequence and biophysical properties (such as structural, functional, and spatial information, amino acid conservation, physicochemical variation, residue mobility, and thermodynamic stability) has been performed at Invitae for this missense variant, however the output from this modeling did not meet the statistical confidence thresholds required to predict the impact of this variant on MORC2 protein function. In summary, the available evidence is currently insufficient to determine the role of this variant in disease. Therefore, it has been classified as a Variant of Uncertain Significance.